The following is an entry in ClinVar:

ClinVar aggregate classification (germline): Pathogenic. Review status: criteria provided, multiple submitters, no conflicts (2 of 4 stars). 6 submissions from 6 submitters: Pathogenic (6). Last evaluated 2026-04-07.

Conditions:
Cardiovascular phenotype. Identifiers: MedGen CN230736.
Distal myopathy with posterior leg and anterior hand involvement. Also called: WILLIAMS DISTAL MYOPATHY. Identifiers: Orphanet 63273, MedGen C3279722, MONDO:0013550, OMIM 614065.
Myofibrillar myopathy 5. Also called: Filaminopathy (type); FILAMINOPATHY, AUTOSOMAL DOMINANT. Identifiers: Orphanet 171445, MedGen C1836050, MONDO:0012289, OMIM 609524.
Hypertrophic cardiomyopathy 26. Also called: Cardiomyopathy, familial hypertrophic, 26. Identifiers: Orphanet 75249, MedGen C4310749, MONDO:0014883, OMIM 617047.
Cardiomyopathy (CMYO). Also called: Cardiomyopathies. Identifiers: Orphanet 167848, MedGen C0878544, MONDO:0004994, HP:0001638. Inheritance: Various modes of inheritance.

Allele frequency attached by ClinVar (database versions not stated): gnomAD exomes below 0.00001; ExAC 0.00001.
gnomAD v4.1: 3 of 1,612,366 alleles (0.00019%); highest among the groups gnomAD compares: African/African-American, 0.0013%; no homozygotes.

Submissions (6):

Dasa
Classification: Pathogenic. Last evaluated: 2026-04-07. Review status: criteria provided, single submitter. Criteria: DASA Assertion Criteria. Collection method: clinical testing. Allele origin: germline.
Comment: NM_001458.5(FLNC):c.6976C>T (p.Arg2326*) introduces a premature termination codon predicted to result in loss of normal protein function. Loss-of-function is an established mechanism of disease for this gene. This variant has been recurrently observed in individuals with related phenotype (PMID: 27908349; PMID: 28416588; PMID: 28436997). The variant is present at low frequency in population datasets. Based on the available data, this variant is classified as pathogenic.

Ambry Genetics
Classification: Pathogenic for Cardiovascular phenotype. Last evaluated: 2025-09-02. Review status: criteria provided, single submitter. Criteria: Ambry Variant Classification Scheme 2023. Collection method: clinical testing. Allele origin: germline.
Comment: The p.R2326* pathogenic mutation (also known as c.6976C>T), located in coding exon 41 of the FLNC gene, results from a C to T substitution at nucleotide position 6976. This changes the amino acid from an arginine to a stop codon within coding exon 41. This variant was identified in one or more individuals with features consistent with dilated cardiomyopathy and segregated with disease in at least one family (Ortiz-Genga MF et al. J Am Coll Cardiol, 2016 Dec;68:2440-2451; Dal Ferro M et al. Heart, 2017 11;103:1704-1710; Janin A et al. Clin Genet, 2017 Dec;92:616-623). This variant is considered to be rare based on population cohorts in the Genome Aggregation Database (gnomAD). In addition, this alteration is expected to result in loss of function by premature protein truncation or nonsense-mediated mRNA decay. As such, this alteration is interpreted as a disease-causing mutation.

Labcorp Genetics (formerly Invitae), Labcorp
Classification: Pathogenic for Distal myopathy with posterior leg and anterior hand involvement; Myofibrillar myopathy 5; Hypertrophic cardiomyopathy 26. Last evaluated: 2025-07-03. Review status: criteria provided, single submitter. Criteria: Invitae Variant Classification Sherloc (09022015). Collection method: clinical testing. Allele origin: germline.
Comment: This sequence change creates a premature translational stop signal (p.Arg2326*) in the FLNC gene. It is expected to result in an absent or disrupted protein product. Loss-of-function variants in FLNC are known to be pathogenic (PMID: 27908349). This variant is present in population databases (rs748416758, gnomAD 0.003%). This premature translational stop signal has been observed in individual(s) with dilated cardiomyopathy (PMID: 27908349). It has also been observed to segregate with disease in related individuals. ClinVar contains an entry for this variant (Variation ID: 478129). Algorithms developed to predict the effect of sequence changes on RNA splicing suggest that this variant may disrupt the consensus splice site. For these reasons, this variant has been classified as Pathogenic.

Molecular Diagnostic Laboratory for Inherited Cardiovascular Disease, Montreal Heart Institute
Classification: Pathogenic for Cardiovascular phenotype. Last evaluated: 2025-03-18. Review status: criteria provided, single submitter. Criteria: ACMG Guidelines, 2015. Collection method: clinical testing. Allele origin: germline. Affected: yes.
Comment: PVS1, PM2, PS4_supp, PP1

GeneDx
Classification: Pathogenic. Last evaluated: 2024-12-17. Review status: criteria provided, single submitter. Criteria: GeneDx Variant Classification Process June 2021. Collection method: clinical testing. Allele origin: germline. Affected: yes.
Comment: Identified in multiple unrelated patients with dilated cardiomyopathy (DCM) referred for genetic testing at GeneDx and in the published literature (PMID: 27908349, 28416588, 28436997, 31514951); Not observed at significant frequency in large population cohorts (gnomAD); Nonsense variant predicted to result in protein truncation or nonsense mediated decay in a gene for which loss of function is a known mechanism of disease; This variant is associated with the following publications: (PMID: 28416588, 28436997, 31514951, 34076677, 27908349, 36264615, 36396199)

CHEO Genetics Diagnostic Laboratory, Children's Hospital of Eastern Ontario
Classification: Pathogenic for Cardiomyopathy. Last evaluated: 2021-09-20. Review status: criteria provided, single submitter. Criteria: ACMG Guidelines, 2015. Collection method: clinical testing. Allele origin: germline.

Literature cited by the submitters: PubMed 27908349 (cited by 3 submitters); PubMed 28416588 (cited by Dasa and Ambry Genetics); PubMed 28436997 (cited by Dasa and Ambry Genetics).

NM_001458.5(FLNC):c.6976C>T (p.Arg2326Ter)

Genes: FLNC-AS1 (FLNC antisense RNA 1; minus strand), FLNC (filamin C; plus strand). Cytogenetic location: 7q32.1.
Variant type: single nucleotide variant.
Coding change: c.6976C>T on transcript NM_001458.5 (MANE Select); coding-DNA position 6976, C replaced by T.
Protein change: p.Arg2326Ter; replaces arginine 2326 with a stop codon.
Molecular consequence: nonsense.
Genome position (GRCh38, 1-based): chr7:128,854,661, C>T. VCF-style: chr7-128854661-C-T. GRCh37 (hg19) VCF-style: chr7-128494715-C-T.
Other names: c.6877C>T, p.Arg2293Ter (NM_001127487.2); short protein forms R2326*, R2293*.
Identifiers: ClinVar variation 478129 (VCV000478129.23), dbSNP rs748416758, ClinGen allele CA4476120.